The following is an entry in ClinVar:

NM_020699.4(GATAD2B):c.1230dup (p.Ser411fs)

Gene: GATAD2B (GATA zinc finger domain containing 2B; minus strand). Cytogenetic location: 1q21.3.
Variant type: Duplication.
Coding change: c.1230dup on transcript NM_020699.4 (MANE Select); coding-DNA position 1230, one base duplicated (C; older notation c.1230dupC).
Protein change: p.Ser411fs; shifts the reading frame from serine 411.
Molecular consequence: frameshift variant.
Genome position (GRCh38, 1-based): chr1:153,813,439, G duplicated on the plus strand (C on the coding strand, the reverse complement: GATAD2B is on the minus strand); the first of 2 consecutive G bases (chr1:153,813,439-153,813,440); duplicating either gives the same sequence. VCF-style (leftmost placement, unchanged base first): chr1-153813438-A-AG. GRCh37 (hg19) VCF-style: chr1-153785914-A-AG.
Other names: short protein forms S411fs.
Identifiers: ClinVar variation 4526375 (VCV004526375.1).
Genomic context (GRCh38, chr1:153,813,438, plus strand): 5'-AGTGAGGGGTGAAATCTGTGCGGCACTGGGCACATACAAAGGGTTCAACCCGCAGAAGTG[A>AG]GGCACAGCTTTTGCCTAGATACCAACAAAAATAGTCAGTGGCTTTACATTTCCTATCTCC-3'

ClinVar aggregate classification (germline): Pathogenic (1 of 4 stars; one submission).

Submission:

Centre of Medical Genetics, University Hospital Muenster
Classification: Pathogenic. Last evaluated: 2024-12-05. Review status: criteria provided, single submitter. Criteria: ACMG Guidelines, 2015. Collection method: clinical testing. Allele origin: unknown. Affected: yes. Observed: 1 variant allele, 1 heterozygote.
Comment: ACMG categories: PVS1,PM2